The following is an entry in ClinVar:

NM_001374736.1(DST):c.17527A>G (p.Lys5843Glu)

Gene: DST (dystonin; minus strand). Cytogenetic location: 6p12.1.
Variant type: single nucleotide variant.
Coding change: c.17527A>G on transcript NM_001374736.1 (MANE Select); coding-DNA position 17527, A replaced by G.
Protein change: p.Lys5843Glu; replaces lysine 5843 with glutamic acid.
Molecular consequence: missense variant. On other transcripts: intron variant (2).
Genome position (GRCh38, 1-based): chr6:56,529,516, T>C on the plus strand (A>G on the coding strand, the complement: DST is on the minus strand). VCF-style: chr6-56529516-T-C. GRCh37 (hg19) VCF-style: chr6-56394314-T-C.
Other names: c.11170A>G, p.Lys3724Glu (NM_001144769.5); c.10756A>G, p.Lys3586Glu (NM_001144770.2); c.17527A>G, p.Lys5843Glu (NM_001374722.1); c.17554A>G, p.Lys5852Glu (NM_001374734.1); c.10636A>G, p.Lys3546Glu (NM_001386100.1, NM_183380.4); c.9658A>G, p.Lys3220Glu (NM_015548.5); c.10377+458A>G (NM_001374730.1); c.16635+458A>G (NM_001374729.1); short protein forms K3220E, K5852E, K3546E, K3724E, K3586E, K5843E.
Identifiers: ClinVar variation 2078443 (VCV002078443.4), dbSNP rs2534829758, ClinGen allele CA364507923.

ClinVar aggregate classification (germline): Uncertain significance (1 of 4 stars; one submission).

Conditions:
Hereditary sensory and autonomic neuropathy type 6. Also called: Neuropathy, hereditary sensory and autonomic, type VI; HSAN VI. Identifiers: Orphanet 314381, MedGen C3539003, MONDO:0013839, OMIM 614653.
Epidermolysis bullosa simplex 3, localized or generalized intermediate, with BP230 deficiency (EBS3). Also called: Epidermolysis bullosa simplex due to BP230 deficiency; Epidermolysis bullosa simplex, autosomal recessive 2. Identifiers: Orphanet 412181, MedGen C3809470, MONDO:0014180, OMIM 615425.

Submission:

Labcorp Genetics (formerly Invitae), Labcorp
Classification: Uncertain significance for Epidermolysis bullosa simplex 3, localized or generalized intermediate, with BP230 deficiency; Hereditary sensory and autonomic neuropathy type 6. Last evaluated: 2022-03-01. Review status: criteria provided, single submitter. Criteria: Invitae Variant Classification Sherloc (09022015). Collection method: clinical testing. Allele origin: germline.
Comment: In summary, the available evidence is currently insufficient to determine the role of this variant in disease. Therefore, it has been classified as a Variant of Uncertain Significance. Experimental studies and prediction algorithms are not available or were not evaluated, and the functional significance of this variant is currently unknown. This variant has not been reported in the literature in individuals affected with DST-related conditions. This variant is not present in population databases (gnomAD no frequency). This sequence change replaces lysine, which is basic and polar, with glutamic acid, which is acidic and polar, at codon 3220 of the DST protein (p.Lys3220Glu). The DST gene has multiple clinically relevant transcripts. This variant occurs in alternate transcript NM_015548.4, and corresponds to NM_001723.5: c.*86001A>G in the primary transcript.